The following is an entry in ClinVar:

ClinVar aggregate classification (germline): Uncertain significance. Review status: criteria provided, multiple submitters, no conflicts (2 of 4 stars). 2 submissions from 2 submitters: Uncertain significance (2). Last evaluated 2025-08-01.

Conditions:
Brugada syndrome. Also called: Sudden Unexplained Death Syndrome; Sudden Unexplained Nocturnal Death Syndrome (SUNDS); Sudden unexpected nocturnal death syndrome; Sudden unexplained nocturnal death syndrome. Identifiers: Orphanet 130, MedGen C1142166, MONDO:0015263.

Allele frequency attached by ClinVar (database versions not stated): gnomAD 0.00002; TOPMed 0.00001; gnomAD exomes 0.00002; ExAC 0.00003; ESP Exome Variant Server 0.00010.

Submissions (2):

Ambry Genetics
Classification: Uncertain significance. Last evaluated: 2025-08-01. Review status: criteria provided, single submitter. Criteria: Ambry Variant Classification Scheme 2023. Collection method: clinical testing. Allele origin: germline.

Labcorp Genetics (formerly Invitae), Labcorp
Classification: Uncertain significance for Brugada syndrome. Last evaluated: 2022-10-17. Review status: criteria provided, single submitter. Criteria: Invitae Variant Classification Sherloc (09022015). Collection method: clinical testing. Allele origin: germline.
Comment: In summary, the available evidence is currently insufficient to determine the role of this variant in disease. Therefore, it has been classified as a Variant of Uncertain Significance. Algorithms developed to predict the effect of missense changes on protein structure and function are either unavailable or do not agree on the potential impact of this missense change (SIFT: "Deleterious"; PolyPhen-2: "Benign"; Align-GVGD: "Class C65"). ClinVar contains an entry for this variant (Variation ID: 240861). This variant has not been reported in the literature in individuals affected with KCNE5-related conditions. This variant is present in population databases (rs375008004, gnomAD 0.02%). This sequence change replaces glutamic acid, which is acidic and polar, with alanine, which is neutral and non-polar, at codon 102 of the KCNE5 protein (p.Glu102Ala).

NM_012282.4(KCNE5):c.305A>C (p.Glu102Ala)

Gene: KCNE5 (potassium voltage-gated channel subfamily E regulatory subunit 5; minus strand). Cytogenetic location: Xq23.
Variant type: single nucleotide variant.
Coding change: c.305A>C on transcript NM_012282.4 (MANE Select); coding-DNA position 305, A replaced by C.
Protein change: p.Glu102Ala; replaces glutamic acid 102 with alanine.
Molecular consequence: missense variant.
Genome position (GRCh38, 1-based): chrX:109,624,716, T>G on the plus strand (A>C on the coding strand, the complement: KCNE5 is on the minus strand). VCF-style: chrX-109624716-T-G. GRCh37 (hg19) VCF-style: chrX-108867945-T-G.
Other names: short protein forms E102A.
Identifiers: ClinVar variation 240861 (VCV000240861.9), dbSNP rs375008004, ClinGen allele CA10490856.
Genomic context (GRCh38, chrX:109,624,716, plus strand): 5'-TCGGCCTGGGAGCCCGCGGCAGCCTCGGCGTCGGCGGTCAGGGCGCCTCCCGGGGCCCAT[T>G]CGTGCTCGGCGCAAGCCTGGGACGGCTCGTCCTTGGCCTCGACGAGCTTACGGGAGCGGG-3'
Protein context (NP_036414.1, residues 92-112): DEPSQACAEH[Glu102Ala]WAPGGALTAD